The following is an entry in ClinVar:

NM_000548.5(TSC2):c.3736_3737insTGG (p.Arg1245_Asp1246insVal)

Gene: TSC2 (TSC complex subunit 2; plus strand). Cytogenetic location: 16p13.3.
Variant type: Insertion.
Coding change: c.3736_3737insTGG on transcript NM_000548.5 (MANE Select); coding-DNA positions 3736 to 3737, TGG inserted.
Protein change: p.Arg1245_Asp1246insVal.
Molecular consequence: inframe insertion. On other transcripts: inframe indel (32).
Genome position: GRCh38 VCF-style: chr16-2081718-G-GGGT. GRCh37 (hg19) VCF-style: chr16-2131719-G-GGGT.
Other names: c.3604_3605insTGG, p.Arg1201_Asp1202insVal (NM_001077183.3, NM_001370404.1, NM_001406665.1); c.3736_3737insTGG, p.Arg1245_Asp1246insVal (NM_001114382.3); c.3496_3497insTGG, p.Arg1165_Asp1166insVal (NM_001318827.2); c.3460_3461insTGG, p.Arg1153_Asp1154insVal (NM_001318829.2); c.3004_3005insTGG, p.Arg1001_Asp1002insVal (NM_001318831.2, NM_001406687.1, NM_001406688.1); c.3637_3638insTGG, p.Arg1212_Asp1213insVal (NM_001318832.2); c.3607_3608insTGG, p.Arg1202_Asp1203insVal (NM_001363528.2, NM_001370405.1, NM_021055.3); c.3733_3734insTGG, p.Arg1244_Asp1245insVal (NM_001406663.1, NM_001406664.1); and 18 more.
Identifiers: ClinVar variation 1734422 (VCV001734422.2), dbSNP rs2544159068, ClinGen allele CA2580091027.
Genomic context (GRCh38, chr16:2,081,718, plus strand): 5'-ACATGCCCCTGCAGGAGCTGTCTAACGCCCTCATGGCGGCTGAGCGCTTCAAGGAGCACC[G>GGGT]GGACACAGCCCTGTACAAGTCACTGTCGGTGCCGGCAGCCAGCACGGCCAAACCCCCTCC-3'

ClinVar aggregate classification (germline): Uncertain significance (1 of 4 stars; one submission).

Conditions:
Hereditary cancer-predisposing syndrome. Also called: Neoplastic Syndromes, Hereditary; Tumor predisposition; Hereditary Cancer Syndrome; Hereditary neoplastic syndrome. Identifiers: Orphanet 140162, MedGen C0027672, MeSH D009386, MONDO:0015356.

Submission:

Ambry Genetics
Classification: Uncertain significance for Hereditary cancer-predisposing syndrome. Last evaluated: 2021-12-20. Review status: criteria provided, single submitter. Criteria: Ambry Variant Classification Scheme 2023. Collection method: clinical testing. Allele origin: germline.
Comment: The c.3736_3737insTGG variant (also known as p.R1245_D1246insV), located in coding exon 30 of the TSC2 gene, results from an in-frame TGG insertion at nucleotide positions 3736 to 3737. This results in the insertion of an extra valine residue between codons 1245 and 1246. This alteration is predicted to be neutral by in silico analysis (Choi Y et al. PLoS ONE. 2012; 7(10):e46688). Since supporting evidence is limited at this time, the clinical significance of this alteration remains unclear.